The following is an entry in ClinVar:

NM_001098816.3(TENM4):c.5270G>A (p.Arg1757Gln)

Gene: TENM4 (teneurin transmembrane protein 4; minus strand). Cytogenetic location: 11q14.1.
Variant type: single nucleotide variant.
Coding change: c.5270G>A on transcript NM_001098816.3 (MANE Select); coding-DNA position 5270, G replaced by A.
Protein change: p.Arg1757Gln; replaces arginine 1757 with glutamine.
Molecular consequence: missense variant.
Genome position (GRCh38, 1-based): chr11:78,676,378, C>T on the plus strand (G>A on the coding strand, the complement: TENM4 is on the minus strand). VCF-style: chr11-78676378-C-T. GRCh37 (hg19) VCF-style: chr11-78387423-C-T.
Other names: p.Arg1757Gln; short protein forms R1757Q.
Identifiers: ClinVar variation 2538559 (VCV002538559.29), dbSNP rs200318543, ClinGen allele CA6206655.
Genomic context (GRCh38, chr11:78,676,378, plus strand): 5'-TCCATGCCGTTGGCCAGCAGCAGCCGCAAGGAGCCATCGGCCCCGATGTAGTAGCTGTTC[C>T]GGACTTGGTCTGCAGGAGAGGACAAGCACAGACTGCTCAGAAGGAACGAAGGTGGAGGGA-3'
Protein context (NP_001092286.2, residues 1747-1767): AFYTLLQDQV[Arg1757Gln]NSYYIGADGS

ClinVar aggregate classification (germline): Conflicting classifications of pathogenicity. Review status: criteria provided, conflicting classifications (1 of 4 stars). 4 submissions from 4 submitters: Uncertain significance (1); Likely benign (2). 1 of the submissions does not count toward it. Last evaluated 2025-08-20.

Conditions:
TENM4-related disorder. Also called: TENM4-related condition.

Allele frequency attached by ClinVar (database versions not stated): gnomAD exomes 0.00024; ExAC 0.00043; ESP Exome Variant Server 0.00055; gnomAD 0.00056; TOPMed 0.00076; 1000 Genomes Project 0.00100; 1000 Genomes Project 30x 0.00109.
gnomAD v4.1: 445 of 1,594,892 alleles (0.028%); highest among the groups gnomAD compares: African/African-American, 0.17%; 1 homozygote.

Submissions (4):

Ambry Genetics
Classification: Uncertain significance. Last evaluated: 2025-08-20. Review status: criteria provided, single submitter. Criteria: Ambry Variant Classification Scheme 2023. Collection method: clinical testing. Allele origin: germline.

Mayo Clinic Laboratories, Mayo Clinic
Classification: Likely benign. Last evaluated: 2024-11-20. Review status: criteria provided, single submitter. Criteria: ACMG Guidelines, 2015. Collection method: clinical testing. Allele origin: germline. Observed: 1 variant allele.
Comment: BS2, BP4

CeGaT Center for Human Genetics Tuebingen
Classification: Likely benign. Last evaluated: 2023-02-01. Review status: criteria provided, single submitter. Criteria: CeGaT Center For Human Genetics Tuebingen Variant Classification Criteria Version 2. Collection method: clinical testing. Allele origin: germline. Affected: yes. Observed: 1 variant allele.
Comment: TENM4: BS1

PreventionGenetics, part of Exact Sciences
Classification: Likely benign for TENM4-related condition. Last evaluated: 2019-08-09. Review status: no assertion criteria provided. Collection method: clinical testing. Allele origin: germline. Not counted in ClinVar's aggregate classification.
Comment: This variant is classified as likely benign based on ACMG/AMP sequence variant interpretation guidelines (Richards et al. 2015 PMID: 25741868, with internal and published modifications).